The following is an entry in ClinVar:

NM_024589.3(ROGDI):c.46-5C>G

Gene: ROGDI (rogdi atypical leucine zipper; minus strand). Cytogenetic location: 16p13.3.
Variant type: single nucleotide variant.
Coding change: c.46-5C>G on transcript NM_024589.3 (MANE Select); 5 bases into the intron before coding-DNA position 46, C replaced by G.
Molecular consequence: intron variant.
Genome position (GRCh38, 1-based): chr16:4,802,458, G>C on the plus strand (C>G on the coding strand, the complement: ROGDI is on the minus strand). VCF-style: chr16-4802458-G-C. GRCh37 (hg19) VCF-style: chr16-4852459-G-C.
Identifiers: ClinVar variation 1055646 (VCV001055646.6), dbSNP rs540065993, ClinGen allele CA620514145.

ClinVar aggregate classification (germline): Uncertain significance (1 of 4 stars; one submission).

Conditions:
Amelocerebrohypohidrotic syndrome (KTZS). Also called: KOHLSCHUTTER SYNDROME; EPILEPSY AND YELLOW TEETH; EPILEPSY, DEMENTIA, AND AMELOGENESIS IMPERFECTA; Kohlschutter's syndrome. Identifiers: Orphanet 1946, MedGen C0406740, MONDO:0009185, OMIM 226750.

gnomAD v4.1: 8 of 1,294,656 alleles (0.00062%); highest among the groups gnomAD compares: African/African-American, 0.0093%; no homozygotes.

Submission:

Labcorp Genetics (formerly Invitae), Labcorp
Classification: Uncertain significance for Amelocerebrohypohidrotic syndrome. Last evaluated: 2022-06-27. Review status: criteria provided, single submitter. Criteria: Invitae Variant Classification Sherloc (09022015). Collection method: clinical testing. Allele origin: germline.
Comment: This sequence change falls in intron 1 of the ROGDI gene. It does not directly change the encoded amino acid sequence of the ROGDI protein. This variant is not present in population databases (gnomAD no frequency). This variant has not been reported in the literature in individuals affected with ROGDI-related conditions. ClinVar contains an entry for this variant (Variation ID: 1055646). Algorithms developed to predict the effect of sequence changes on RNA splicing suggest that this variant may disrupt the consensus splice site. In summary, the available evidence is currently insufficient to determine the role of this variant in disease. Therefore, it has been classified as a Variant of Uncertain Significance.